The following is an entry in ClinVar:

ClinVar aggregate classification (germline): Uncertain significance (1 of 4 stars; one submission).

Conditions:
Dilated cardiomyopathy 1G (CMD1G). Identifiers: Orphanet 154, MedGen C1858763, MONDO:0011400, OMIM 604145.
Autosomal recessive limb-girdle muscular dystrophy type 2J (LGMDR10). Also called: Limb-girdle muscular dystrophy, type 2J; MUSCULAR DYSTROPHY, LIMB-GIRDLE, AUTOSOMAL RECESSIVE 10. Identifiers: Orphanet 140922, MedGen C1837342, MONDO:0012127, OMIM 608807.

Submission:

Labcorp Genetics (formerly Invitae), Labcorp
Classification: Uncertain significance for Dilated cardiomyopathy 1G; Autosomal recessive limb-girdle muscular dystrophy type 2J. Last evaluated: 2023-04-07. Review status: criteria provided, single submitter. Criteria: Invitae Variant Classification Sherloc (09022015). Collection method: clinical testing. Allele origin: germline.
Comment: This variant is located in the M band of TTN (PMID: 25589632). Variants in this region may be relevant for neuromuscular disorders, but have not been definitively shown to cause cardiomyopathy (PMID: 23975875). In summary, the available evidence is currently insufficient to determine the role of this variant in disease. Therefore, it has been classified as a Variant of Uncertain Significance. Experimental studies and prediction algorithms are not available or were not evaluated, and the functional significance of this variant is currently unknown. This variant has not been reported in the literature in individuals affected with TTN-related conditions. This variant is not present in population databases (gnomAD no frequency). This sequence change replaces proline, which is neutral and non-polar, with threonine, which is neutral and polar, at codon 34354 of the TTN protein (p.Pro34354Thr).

Literature cited by the submitters: PubMed 25589632; PubMed 23975875.

NM_001267550.2(TTN):c.103060C>A (p.Pro34354Thr)

Genes: TTN (titin; minus strand), TTN-AS1 (TTN antisense RNA 1; plus strand). Cytogenetic location: 2q31.2.
Variant type: single nucleotide variant.
Coding change: c.103060C>A on transcript NM_001267550.2 (MANE Select); coding-DNA position 103060, C replaced by A.
Protein change: p.Pro34354Thr; replaces proline 34354 with threonine.
Molecular consequence: missense variant.
Genome position (GRCh38, 1-based): chr2:178,533,555, G>T on the plus strand (C>A on the coding strand, the complement: TTN is on the minus strand). VCF-style: chr2-178533555-G-T. GRCh37 (hg19) VCF-style: chr2-179398282-G-T.
Other names: c.98137C>A, p.Pro32713Thr (NM_001256850.1); c.75865C>A, p.Pro25289Thr (NM_003319.4); c.95356C>A, p.Pro31786Thr (NM_133378.4); c.76240C>A, p.Pro25414Thr (NM_133432.3); c.76441C>A, p.Pro25481Thr (NM_133437.4); short protein forms P25289T, P25414T, P25481T, P31786T, P32713T, P34354T.
Identifiers: ClinVar variation 2946275 (VCV002946275.3), dbSNP rs878963278, ClinGen allele CA349415330.